The following is an entry in ClinVar:

NM_004973.4(JARID2):c.19A>G (p.Lys7Glu)

Gene: JARID2 (jumonji and AT-rich interaction domain containing 2; plus strand). Cytogenetic location: 6p22.3.
Variant type: single nucleotide variant.
Coding change: c.19A>G on transcript NM_004973.4 (MANE Select); coding-DNA position 19, A replaced by G.
Protein change: p.Lys7Glu; replaces lysine 7 with glutamic acid.
Molecular consequence: missense variant.
Genome position (GRCh38, 1-based): chr6:15,246,558, A>G. VCF-style: chr6-15246558-A-G. GRCh37 (hg19) VCF-style: chr6-15246789-A-G.
Other names: short protein forms K7E.
Identifiers: ClinVar variation 3777293 (VCV003777293.1).
Genomic context (GRCh38, chr6:15,246,558, plus strand): 5'-GAAGCAATTGTCCCCTTTTGCAATCAGCATTTGGATCTCAGAATGAGCAAGGAAAGACCC[A>G]AGAGGAATATCATTCAGAAGAAATACGTAAGTGCTCCTAACAACACATCCTTTGACTTGC-3'
Protein context (NP_004964.2, residues 1-17): MSKERP[Lys7Glu]RNIIQKKYDD

ClinVar aggregate classification (germline): Uncertain significance (1 of 4 stars; one submission).

Submission:

GeneDx
Classification: Uncertain significance. Last evaluated: 2024-10-14. Review status: criteria provided, single submitter. Criteria: GeneDx Variant Classification Process June 2021. Collection method: clinical testing. Allele origin: germline. Affected: yes.
Comment: Not observed at significant frequency in large population cohorts (gnomAD); In silico analysis indicates that this missense variant does not alter protein structure/function; Has not been previously published as pathogenic or benign to our knowledge